The following is an entry in ClinVar:

NM_000742.4(CHRNA2):c.1534T>C (p.Cys512Arg)

Gene: CHRNA2 (cholinergic receptor nicotinic alpha 2 subunit; minus strand). Cytogenetic location: 8p21.2.
Variant type: single nucleotide variant.
Coding change: c.1534T>C on transcript NM_000742.4 (MANE Select); coding-DNA position 1534, T replaced by C.
Protein change: p.Cys512Arg; replaces cysteine 512 with arginine.
Molecular consequence: missense variant.
Genome position (GRCh38, 1-based): chr8:27,461,685, A>G on the plus strand (T>C on the coding strand, the complement: CHRNA2 is on the minus strand). VCF-style: chr8-27461685-A-G. GRCh37 (hg19) VCF-style: chr8-27319202-A-G.
Other names: c.1489T>C, p.Cys497Arg (NM_001282455.2); c.1057T>C, p.Cys353Arg (NM_001347705.2, NM_001347706.2); c.940T>C, p.Cys314Arg (NM_001347707.2, NM_001347708.2); short protein forms C314R, C353R, C497R, C512R.
Identifiers: ClinVar variation 1977543 (VCV001977543.5), dbSNP rs1216454301, ClinGen allele CA370806927.

ClinVar aggregate classification (germline): Uncertain significance (1 of 4 stars; one submission).

Conditions:
Familial sleep-related hypermotor epilepsy. Also called: Autosomal Dominant Sleep-Related Hypermotor (Hyperkinetic) Epilepsy. Identifiers: Orphanet 98784, MedGen C3696898, MONDO:0000030.

Allele frequency attached by ClinVar (database versions not stated): gnomAD exomes 0.00001.
gnomAD v4.1: 4 of 1,614,256 alleles (0.00025%); highest among the groups gnomAD compares: East Asian, 0.0022%; no homozygotes.

Submission:

Labcorp Genetics (formerly Invitae), Labcorp
Classification: Uncertain significance. Last evaluated: 2022-09-27. Review status: criteria provided, single submitter. Criteria: Invitae Variant Classification Sherloc (09022015). Collection method: clinical testing. Allele origin: germline.
Comment: This sequence change replaces cysteine, which is neutral and slightly polar, with arginine, which is basic and polar, at codon 512 of the CHRNA2 protein (p.Cys512Arg). This variant is present in population databases (no rsID available, gnomAD 0.01%). This variant has not been reported in the literature in individuals affected with CHRNA2-related conditions. Advanced modeling of protein sequence and biophysical properties (such as structural, functional, and spatial information, amino acid conservation, physicochemical variation, residue mobility, and thermodynamic stability) performed at Invitae indicates that this missense variant is expected to disrupt CHRNA2 protein function. In summary, the available evidence is currently insufficient to determine the role of this variant in disease. Therefore, it has been classified as a Variant of Uncertain Significance.